The following is an entry in ClinVar:

NM_000051.4(ATM):c.6303A>G (p.Gln2101=)

Genes: ATM (ATM serine/threonine kinase; plus strand), C11orf65 (chromosome 11 open reading frame 65; minus strand). Cytogenetic location: 11q22.3.
Variant type: single nucleotide variant.
Coding change: c.6303A>G on transcript NM_000051.4 (MANE Select); coding-DNA position 6303, A replaced by G.
Protein change: p.Gln2101=; no amino-acid change (glutamine 2101 retained).
Molecular consequence: synonymous variant. On other transcripts: intron variant (2).
Genome position (GRCh38, 1-based): chr11:108,317,477, A>G. VCF-style: chr11-108317477-A-G. GRCh37 (hg19) VCF-style: chr11-108188204-A-G.
Other names: c.6303A>G, p.Gln2101= (NM_001351834.2); c.641-8406T>C (NM_001330368.2); c.*39-8406T>C (NM_001351110.2).
Identifiers: ClinVar variation 231730 (VCV000231730.16), dbSNP rs876659325, ClinGen allele CA10579218.
Genomic context (GRCh38, chr11:108,317,477, plus strand): 5'-AAAAGGATTGGATTATGAAAATAAAGACTGGTGTCCTGAACTAGAAGAACTTCATTACCA[A>G]GCAGCATGGAGGAATATGCAGTGGGACCATTGCACTTCCGTCAGGTAAGAAATTTGACTT-3'
Protein context (NP_000042.3, residues 2091-2111): WCPELEELHY[Gln2101=]AAWRNMQWDH

ClinVar aggregate classification (germline): Benign/Likely benign. Review status: criteria provided, multiple submitters, no conflicts (2 of 4 stars). 3 submissions from 3 submitters: Benign (1); Likely benign (2). Last evaluated 2024-06-05.

Conditions:
Hereditary cancer-predisposing syndrome. Also called: Neoplastic Syndromes, Hereditary; Hereditary neoplastic syndrome; Tumor predisposition; Hereditary Cancer Syndrome. Identifiers: Orphanet 140162, MedGen C0027672, MeSH D009386, MONDO:0015356.
Familial cancer of breast. Also called: hereditary breast carcinoma; Hereditary breast cancer; BREAST CANCER, FAMILIAL. Identifiers: Orphanet 227535, MedGen C0346153, MONDO:0016419, OMIM 114480. Disease mechanism: loss of function.
Ataxia-telangiectasia syndrome (AT). Also called: Ataxia telangiectasia (A-T); Cerebello-oculocutaneous telangiectasia; Immunodeficiency with ataxia telangiectasia; LOUIS-BAR SYNDROME; AT, COMPLEMENTATION GROUP C; ATAXIA-TELANGIECTASIA, FRESNO VARIANT. Identifiers: Orphanet 100, MedGen C0004135, MONDO:0008840, OMIM 208900.

Submissions (3):

Myriad Genetics, Inc.
Classification: Benign for Familial cancer of breast. Last evaluated: 2024-06-05. Review status: criteria provided, single submitter. Criteria: Myriad Autosomal Dominant, Autosomal Recessive and X-Linked Classification Criteria (2023). Collection method: clinical testing. Allele origin: unknown.
Comment: This variant is considered benign. This variant is a silent/synonymous amino acid change and it is not expected to impact splicing.

Labcorp Genetics (formerly Invitae), Labcorp
Classification: Likely benign for Ataxia-telangiectasia syndrome. Last evaluated: 2024-03-04. Review status: criteria provided, single submitter. Criteria: Invitae Variant Classification Sherloc (09022015). Collection method: clinical testing. Allele origin: germline.

Ambry Genetics
Classification: Likely benign for Hereditary cancer-predisposing syndrome. Last evaluated: 2015-05-06. Review status: criteria provided, single submitter. Criteria: Ambry Variant Classification Scheme 2023. Collection method: clinical testing. Allele origin: germline.